The following is an entry in ClinVar:

ClinVar aggregate classification (germline): Likely pathogenic (1 of 4 stars; one submission).

Submissions (2):

Labcorp Genetics (formerly Invitae), Labcorp
Classification: Likely pathogenic. Last evaluated: 2025-06-12. Review status: criteria provided, single submitter. Criteria: Invitae Variant Classification Sherloc (09022015). Collection method: clinical testing. Allele origin: germline.
Comment: This sequence change replaces glycine, which is neutral and non-polar, with cysteine, which is neutral and slightly polar, at codon 1152 of the COL4A5 protein (p.Gly1152Cys). This variant also falls at the last nucleotide of exon 38, which is part of the consensus splice site for this exon. This variant is not present in population databases (gnomAD no frequency). This missense change has been observed in individual(s) with clinical features of Alport syndrome (PMID: 26809805). ClinVar contains an entry for this variant (Variation ID: 1481511). Experimental studies and prediction algorithms are not available or were not evaluated, and the functional significance of this variant is currently unknown. Variants that disrupt the consensus splice site are a relatively common cause of aberrant splicing (PMID: 17576681, 9536098). Algorithms developed to predict the effect of sequence changes on RNA splicing suggest that this variant may disrupt the consensus splice site. This variant disrupts the triple helix domain of COL4A5. Glycine residues within the Gly-Xaa-Yaa repeats of the triple helix domain are required for the structure and stability of fibrillar collagens (PMID: 7695699, 8218237, 19344236). In COL4A5, missense variants at these glycine residues are significantly enriched in individuals with disease (PMID: 23720012, 27627812) compared to the general population (ExAC). In summary, the currently available evidence indicates that the variant is pathogenic, but additional data are needed to prove that conclusively. Therefore, this variant has been classified as Likely Pathogenic.

Dr. Peter K. Rogan Lab, Western University
No classification provided (evidence only). Condition: Nonpapillary renal cell carcinoma. Review status: no classification provided. Collection method: in vitro. Allele origin: not applicable. Functional consequence: retained intron. Not counted in ClinVar's aggregate classification.

Literature cited by the submitters: PubMed 26809805 (cited by Labcorp Genetics (formerly Invitae), Labcorp); PubMed 17576681 (cited by Labcorp Genetics (formerly Invitae), Labcorp); PubMed 9536098 (cited by Labcorp Genetics (formerly Invitae), Labcorp); PubMed 7695699 (cited by Labcorp Genetics (formerly Invitae), Labcorp); PubMed 8218237 (cited by Labcorp Genetics (formerly Invitae), Labcorp); PubMed 19344236 (cited by Labcorp Genetics (formerly Invitae), Labcorp); PubMed 23720012 (cited by Labcorp Genetics (formerly Invitae), Labcorp); PubMed 27627812 (cited by Labcorp Genetics (formerly Invitae), Labcorp).

NM_033380.3(COL4A5):c.3454G>T (p.Gly1152Cys)

Gene: COL4A5 (collagen type IV alpha 5 chain; plus strand). Cytogenetic location: Xq22.3.
Variant type: single nucleotide variant.
Coding change: c.3454G>T on transcript NM_033380.3 (MANE Select); coding-DNA position 3454, G replaced by T.
Protein change: p.Gly1152Cys; replaces glycine 1152 with cysteine.
Molecular consequence: missense variant.
Genome position (GRCh38, 1-based): chrX:108,665,587, G>T. VCF-style: chrX-108665587-G-T. GRCh37 (hg19) VCF-style: chrX-107908817-G-T.
Other names: c.3454G>T, p.Gly1152Cys (NM_000495.5); short protein forms G1152C.
Identifiers: ClinVar variation 1481511 (VCV001481511.9), dbSNP rs2147953102, ClinGen allele CA413847463.
Genomic context (GRCh38, chrX:108,665,587, plus strand): 5'-CCAAAAGGTATTAGTGGCCCTCCTGGGAACCCCGGCCTTCCAGGAGAACCTGGTCCTGTA[G>T]GTAAGCATGAAAAATAACAGTTTGCTGTTTTATAAAACTAATGTTTATCATATTAAGTTT-3'
Protein context (NP_203699.1, residues 1142-1162): PGLPGEPGPV[Gly1152Cys]GGGHPGQPGP